The following is an entry in ClinVar:

ClinVar aggregate classification (germline): Likely benign (1 of 4 stars; one submission).

Allele frequency attached by ClinVar (database versions not stated): ExAC 0.00007; 1000 Genomes Project 0.00100; 1000 Genomes Project 30x 0.00109; gnomAD 0.00127.

Submission:

CeGaT Center for Human Genetics Tuebingen
Classification: Likely benign. Last evaluated: 2023-10-01. Review status: criteria provided, single submitter. Criteria: CeGaT Center For Human Genetics Tuebingen Variant Classification Criteria Version 2. Collection method: clinical testing. Allele origin: germline. Affected: yes. Observed: 1 variant allele.
Comment: ICOSLG: BS2

NM_015259.6(ICOSLG):c.898+222C>T

Gene: ICOSLG (inducible T cell costimulator ligand; minus strand). Cytogenetic location: 21q22.3.
Variant type: single nucleotide variant.
Coding change: c.898+222C>T on transcript NM_015259.6 (MANE Select); 222 bases into the intron after coding-DNA position 898, C replaced by T.
Molecular consequence: intron variant.
Genome position (GRCh38, 1-based): chr21:44,229,832, G>A on the plus strand (C>T on the coding strand, the complement: ICOSLG is on the minus strand). VCF-style: chr21-44229832-G-A. GRCh37 (hg19) VCF-style: chr21-45649715-G-A.
Other names: c.817+222C>T (NM_001365759.2); c.547+222C>T (NM_001283051.2); c.643+222C>T (NM_001283052.2); c.898+222C>T (NM_001283050.2, NM_001395918.1).
Identifiers: ClinVar variation 2652738 (VCV002652738.24), dbSNP rs188761017, ClinGen allele CA321495253.